The following is an entry in ClinVar:

ClinVar aggregate classification (germline): Uncertain significance. Review status: criteria provided, single submitter (1 of 4 stars). 2 submissions from 2 submitters: Uncertain significance (1). 1 of the submissions does not count toward it. Last evaluated 2022-06-13.

Conditions:
Hereditary breast ovarian cancer syndrome. Also called: Hereditary breast and ovarian cancer; Breast and ovarian cancer; Hereditary breast and/or ovarian cancer syndrome; BRCA1- and BRCA2-Associated Hereditary Breast and Ovarian Cancer; Hereditary breast and ovarian cancer syndrome; Hereditary breast and ovarian cancer syndrome (HBOC). Identifiers: Orphanet 145, MedGen C0677776, MeSH D061325, MONDO:0003582. Disease mechanism: loss of function.
Breast-ovarian cancer, familial, susceptibility to, 2 (BROVCA2). Also called: BRCA2 Hereditary Breast and Ovarian Cancer. Identifiers: Orphanet 145, MedGen C2675520, MONDO:0012933, OMIM 612555. Disease mechanism: loss of function.

Submissions (2):

Labcorp Genetics (formerly Invitae), Labcorp
Classification: Uncertain significance for Hereditary breast ovarian cancer syndrome. Last evaluated: 2022-06-13. Review status: criteria provided, single submitter. Criteria: Invitae Variant Classification Sherloc (09022015). Collection method: clinical testing. Allele origin: germline.
Comment: In summary, the available evidence is currently insufficient to determine the role of this variant in disease. Therefore, it has been classified as a Variant of Uncertain Significance. ClinVar contains an entry for this variant (Variation ID: 252836). This variant has not been reported in the literature in individuals affected with BRCA2-related conditions. This variant is present in population databases (rs769809808, gnomAD 0.003%). This variant, c.4936_4938del, results in the deletion of 1 amino acid(s) of the BRCA2 protein (p.Glu1646del), but otherwise preserves the integrity of the reading frame.

Sharing Clinical Reports Project (SCRP)
Classification: Uncertain significance for Breast-ovarian cancer, familial 2. Last evaluated: 2013-10-28. Review status: no assertion criteria provided. Collection method: clinical testing. Allele origin: germline. Not counted in ClinVar's aggregate classification.

NM_000059.4(BRCA2):c.4936_4938del (p.Glu1646del)

Gene: BRCA2 (BRCA2 DNA repair associated; plus strand). Cytogenetic location: 13q13.1.
Variant type: Deletion.
Coding change: c.4936_4938del on transcript NM_000059.4 (MANE Select); coding-DNA positions 4936 to 4938, 3 bases deleted (GAA; older notation c.4936_4938delGAA).
Protein change: p.Glu1646del; deletes glutamic acid 1646.
Molecular consequence: inframe deletion.
Genome position (GRCh38, 1-based): chr13:32,339,291-32,339,293, GAA deleted; deleting any 3 consecutive bases within chr13:32,339,289-32,339,293 gives the same sequence; the c. name uses the placement nearest the transcript's 3' end. VCF-style (leftmost placement, unchanged base first): chr13-32339288-AAAG-A. GRCh37 (hg19) VCF-style: chr13-32913425-AAAG-A.
Other names: 5164del3; short protein forms E1646del.
Identifiers: ClinVar variation 252836 (VCV000252836.7), dbSNP rs879255456, ClinGen allele CA6940828.